The following is an entry in ClinVar:

NM_006086.4(TUBB3):c.650T>C (p.Leu217Pro)

Gene: TUBB3 (tubulin beta 3 class III; plus strand). Cytogenetic location: 16q24.3.
Variant type: single nucleotide variant.
Coding change: c.650T>C on transcript NM_006086.4 (MANE Select); coding-DNA position 650, T replaced by C.
Protein change: p.Leu217Pro; replaces leucine 217 with proline.
Molecular consequence: missense variant.
Genome position (GRCh38, 1-based): chr16:89,935,101, T>C. VCF-style: chr16-89935101-T-C. GRCh37 (hg19) VCF-style: chr16-90001509-T-C.
Other names: c.434T>C, p.Leu145Pro (NM_001197181.2); short protein forms L145P, L217P.
Identifiers: ClinVar variation 5005669 (VCV005005669.2).
Genomic context (GRCh38, chr16:89,935,101, plus strand): 5'-ATGAGACCTACTGCATCGACAACGAGGCGCTCTACGACATCTGCTTCCGCACCCTCAAGC[T>C]GGCCACGCCCACCTACGGGGACCTCAACCACCTGGTATCGGCCACCATGAGCGGAGTCAC-3'
Protein context (NP_006077.2, residues 207-227): LYDICFRTLK[Leu217Pro]ATPTYGDLNH

ClinVar aggregate classification (germline): Uncertain significance (1 of 4 stars; one submission).

Conditions:
Complex cortical dysplasia with other brain malformations 1. Identifiers: Orphanet 300570, MedGen C3808397, MONDO:0013541, OMIM 614039.
Fibrosis of extraocular muscles, congenital, 3A, with or without extraocular involvement. Also called: CONGENITAL FIBROSIS OF EXTRAOCULAR MUSCLES 3A; FEOM3 LOCUS. Identifiers: MedGen C2748801, MONDO:0010912, OMIM 600638.

Submission:

Juno Genomics, Hangzhou Juno Genomics, Inc
Classification: Uncertain significance for Complex cortical dysplasia with other brain malformations 1; Fibrosis of extraocular muscles, congenital, 3A, with or without extraocular involvement. Review status: criteria provided, single submitter. Criteria: ACMG Guidelines, 2015. Collection method: clinical testing. Allele origin: germline.
Comment: Absent from controls (or at extremely low frequency if recessive) in Genome Aggregation Database.;Missense variant in a gene that has a low rate of benign missense variation.;Multiple lines of computational evidence support a deleterious effect on the gene or gene product.